The following is an entry in ClinVar:

ClinVar aggregate classification (germline): Benign. Review status: criteria provided, multiple submitters, no conflicts (2 of 4 stars). 4 submissions from 4 submitters: Benign (3). 1 of the submissions does not count toward it. Last evaluated 2025-04-09.

Conditions:
NRAP-related disorder. Also called: NRAP-related condition.

Allele frequency attached by ClinVar (database versions not stated): 1000 Genomes Project 0.12480; 1000 Genomes Project 30x 0.12617; gnomAD exomes 0.17911 and 0.21465; ExAC 0.17998; TOPMed 0.18702; gnomAD 0.19288 and 0.19732; ESP Exome Variant Server 0.20329.
gnomAD v4.1: 340,853 of 1,609,318 alleles (21%); highest among the groups gnomAD compares: Non-Finnish European, 23%; 38,462 homozygotes.

Submissions (4):

Molecular Diagnostic Laboratory for Inherited Cardiovascular Disease, Montreal Heart Institute
Classification: Benign. Last evaluated: 2025-04-09. Review status: criteria provided, single submitter. Criteria: ACMG Guidelines, 2015. Collection method: clinical testing. Allele origin: germline. Affected: no.

GeneDx
Classification: Benign. Last evaluated: 2021-05-04. Review status: criteria provided, single submitter. Criteria: GeneDx Variant Classification Process June 2021. Collection method: clinical testing. Allele origin: germline. Affected: yes.

Breakthrough Genomics
Classification: Benign. Review status: criteria provided, single submitter. Criteria: ACMG Guidelines, 2015. Collection method: not provided. Allele origin: germline. Inheritance: Unknown mechanism. Affected: yes.

PreventionGenetics, part of Exact Sciences
Classification: Benign for NRAP-related condition. Last evaluated: 2019-10-17. Review status: no assertion criteria provided. Collection method: clinical testing. Allele origin: germline. Not counted in ClinVar's aggregate classification.
Comment: This variant is classified as benign based on ACMG/AMP sequence variant interpretation guidelines (Richards et al. 2015 PMID: 25741868, with internal and published modifications).

NM_198060.4(NRAP):c.3114T>C (p.Asp1038=)

Gene: NRAP (nebulin related anchoring protein; minus strand). Cytogenetic location: 10q25.3.
Variant type: single nucleotide variant.
Coding change: c.3114T>C on transcript NM_198060.4 (MANE Select); coding-DNA position 3114, T replaced by C.
Protein change: p.Asp1038=; no amino-acid change (aspartic acid 1038 retained).
Molecular consequence: synonymous variant.
Genome position (GRCh38, 1-based): chr10:113,614,911, A>G on the plus strand (T>C on the coding strand, the complement: NRAP is on the minus strand). VCF-style: chr10-113614911-A-G. GRCh37 (hg19) VCF-style: chr10-115374670-A-G.
Other names: c.3114T>C, p.Asp1038= (NM_001261463.2); c.3006T>C, p.Asp1002= (NM_001322945.2); c.3009T>C, p.Asp1003= (NM_006175.5).
Identifiers: ClinVar variation 1279354 (VCV001279354.5), dbSNP rs3121453, ClinGen allele CA5694905.